The following is an entry in ClinVar:

ClinVar aggregate classification (germline): Uncertain significance. Review status: criteria provided, multiple submitters, no conflicts (2 of 4 stars). 2 submissions from 2 submitters: Uncertain significance (2). Last evaluated 2026-08-04.

gnomAD v4.1: 19 of 1,551,378 alleles (0.0012%); highest among the groups gnomAD compares: African/African-American, 0.025%; no homozygotes.

Submissions (2):

GeneDx
Classification: Uncertain significance. Last evaluated: 2026-08-04. Review status: criteria provided, single submitter. Criteria: GeneDx Variant Classification Process June 2021. Collection method: clinical testing. Allele origin: germline.
Comment: Published functional studies suggest a damaging effect on receptor signaling (PMID: 27094476); Identified in a patient with primary aldosteronism and classified as a variant of uncertain significance in published literature (PMID: 33089319); In silico analysis supports that this missense variant has a deleterious effect on protein structure/function; This variant is associated with the following publications: (PMID: 27094476, 34210598, 33089319, 30339828)

Labcorp Genetics (formerly Invitae), Labcorp
Classification: Uncertain significance. Last evaluated: 2025-11-27. Review status: criteria provided, single submitter. Criteria: Invitae Variant Classification Sherloc (09022015). Collection method: clinical testing. Allele origin: germline.
Comment: This sequence change replaces cysteine, which is neutral and slightly polar, with tryptophan, which is neutral and slightly polar, at codon 95 of the KISS1R protein (p.Cys95Trp). This variant is present in population databases (rs141767649, gnomAD 0.04%). This missense change has been observed in individual(s) with normosmic congenital hypogonadotrophic hypogonadism (PMID: 27094476, 33089319). ClinVar contains an entry for this variant (Variation ID: 3572470). Invitae Evidence Modeling of protein sequence and biophysical properties (such as structural, functional, and spatial information, amino acid conservation, physicochemical variation, residue mobility, and thermodynamic stability) indicates that this missense variant is expected to disrupt KISS1R protein function with a positive predictive value of 80%. Experimental studies have shown that this missense change affects KISS1R function (PMID: 27094476). In summary, the available evidence is currently insufficient to determine the role of this variant in disease. Therefore, it has been classified as a Variant of Uncertain Significance.

Literature cited by the submitters: PubMed 27094476 (cited by Labcorp Genetics (formerly Invitae), Labcorp); PubMed 33089319 (cited by Labcorp Genetics (formerly Invitae), Labcorp).

NM_032551.5(KISS1R):c.285C>G (p.Cys95Trp)

Gene: KISS1R (KISS1 receptor; plus strand). Cytogenetic location: 19p13.3.
Variant type: single nucleotide variant.
Coding change: c.285C>G on transcript NM_032551.5 (MANE Select); coding-DNA position 285, C replaced by G.
Protein change: p.Cys95Trp; replaces cysteine 95 with tryptophan.
Molecular consequence: missense variant.
Genome position (GRCh38, 1-based): chr19:918,584, C>G. VCF-style: chr19-918584-C-G. GRCh37 (hg19) VCF-style: chr19-918584-C-G.
Other names: short protein forms C95W.
Identifiers: ClinVar variation 3572470 (VCV003572470.3).